The following is an entry in ClinVar:

ClinVar aggregate classification (germline): Likely pathogenic (1 of 4 stars; one submission).

gnomAD v4.1: 1 of 1,569,788 alleles (0.000064%); highest among the groups gnomAD compares: Non-Finnish European, 0.000088%; no homozygotes.

Submission:

Labcorp Genetics (formerly Invitae), Labcorp
Classification: Likely pathogenic. Last evaluated: 2017-11-16. Review status: criteria provided, single submitter. Criteria: Invitae Variant Classification Sherloc (09022015). Collection method: clinical testing. Allele origin: germline.
Comment: This variant has not been reported in the literature in individuals with CENPJ-related disease. This sequence change affects a donor splice site in intron 13 of the CENPJ gene. It is expected to disrupt RNA splicing and likely results in an absent or disrupted protein product. This variant is not present in population databases (ExAC no frequency). Algorithms developed to predict the effect of sequence changes on RNA splicing suggest that this variant may disrupt the consensus splice site, but this prediction has not been confirmed by published transcriptional studies. Donor and acceptor splice site variants typically lead to a loss of protein function (PMID: 16199547), and loss-of-function variants in CENPJ are known to be pathogenic (PMID: 15793586, 16900296, 20522431). In summary, the currently available evidence indicates that the variant is pathogenic, but additional data are needed to prove that conclusively. Therefore, this variant has been classified as Likely Pathogenic.

Literature cited by the submitters: PubMed 16199547; PubMed 15793586; PubMed 16900296; PubMed 20522431.

NM_018451.5(CPAP):c.3477+1G>A

Genes: CPAP (centrosome assembly and centriole elongation protein; minus strand), RNF17 (ring finger protein 17; plus strand). Cytogenetic location: 13q12.12.
Variant type: single nucleotide variant.
Coding change: c.3477+1G>A on transcript NM_018451.5 (MANE Select); the canonical splice donor site of the intron after coding-DNA position 3477, G replaced by A.
Molecular consequence: splice donor variant.
Genome position (GRCh38, 1-based): chr13:24,885,275, C>T on the plus strand (G>A on the coding strand, the complement: CPAP is on the minus strand). VCF-style: chr13-24885275-C-T. GRCh37 (hg19) VCF-style: chr13-25459413-C-T.
Identifiers: ClinVar variation 1067301 (VCV001067301.7), dbSNP rs1593528532, ClinGen allele CA387577233.